The following is an entry in ClinVar:

ClinVar aggregate classification (germline): Uncertain significance (1 of 4 stars; one submission).

Conditions:
Developmental and epileptic encephalopathy 94 (DEE94). Also called: CHD2-Related Neurodevelopmental Disorders; Epileptic encephalopathy, childhood-onset. Identifiers: Orphanet 1942, Orphanet 2382, MedGen C3809278, MONDO:0014150, OMIM 615369.

Allele frequency attached by ClinVar (database versions not stated): gnomAD 0.00001; TOPMed 0.00001.
gnomAD v4.1: 2 of 1,613,726 alleles (0.00012%); highest among the groups gnomAD compares: African/African-American, 0.0027%; no homozygotes.

Submission:

Labcorp Genetics (formerly Invitae), Labcorp
Classification: Uncertain significance for Developmental and epileptic encephalopathy 94. Last evaluated: 2020-02-27. Review status: criteria provided, single submitter. Criteria: Invitae Variant Classification Sherloc (09022015). Collection method: clinical testing. Allele origin: germline.
Comment: This sequence change replaces valine with leucine at codon 1217 of the CHD2 protein (p.Val1217Leu). The valine residue is highly conserved and there is a small physicochemical difference between valine and leucine. This variant is not present in population databases (ExAC no frequency). This variant has not been reported in the literature in individuals with CHD2-related conditions. Algorithms developed to predict the effect of missense changes on protein structure and function are either unavailable or do not agree on the potential impact of this missense change (SIFT: "Deleterious"; PolyPhen-2: "Benign"; Align-GVGD: "Class C25"). In summary, the available evidence is currently insufficient to determine the role of this variant in disease. Therefore, it has been classified as a Variant of Uncertain Significance.

NM_001271.4(CHD2):c.3649G>C (p.Val1217Leu)

Gene: CHD2 (chromodomain helicase DNA binding protein 2; plus strand). Cytogenetic location: 15q26.1.
Variant type: single nucleotide variant.
Coding change: c.3649G>C on transcript NM_001271.4 (MANE Select); coding-DNA position 3649, G replaced by C.
Protein change: p.Val1217Leu; replaces valine 1217 with leucine.
Molecular consequence: missense variant.
Genome position (GRCh38, 1-based): chr15:92,997,010, G>C. VCF-style: chr15-92997010-G-C. GRCh37 (hg19) VCF-style: chr15-93540240-G-C.
Other names: short protein forms V1217L.
Identifiers: ClinVar variation 1022174 (VCV001022174.9), dbSNP rs1465237014, ClinGen allele CA393897773.
Genomic context (GRCh38, chr15:92,997,010, plus strand): 5'-TTTTCAGGAAAAGGACCAGGGAAAAGGAGAGGTCCAACAATCAAGATATCCGGAGTTCAG[G>C]TTAATGTGAAATCCATTATCCAACATGAAGAGGAGTTTGAGATGCTGCATAAATCTATCC-3'
Protein context (NP_001262.3, residues 1207-1227): GPTIKISGVQ[Val1217Leu]NVKSIIQHEE